The following is an entry in ClinVar:

ClinVar aggregate classification (germline): Pathogenic/Likely pathogenic. Review status: criteria provided, multiple submitters, no conflicts (2 of 4 stars). 5 submissions from 5 submitters: Pathogenic (3); Likely pathogenic (1). 1 of the submissions does not count toward it. Last evaluated 2024-05-21.

Conditions:
Mucopolysaccharidosis type 6 (MPS6). Also called: N-ACETYLGALACTOSAMINE-4-SULFATASE DEFICIENCY; MPS VI; MPS 6; Maroteaux Lamy syndrome; ARSB DEFICIENCY; ARYLSULFATASE B DEFICIENCY. Identifiers: Orphanet 583, MedGen C0026709, MONDO:0009661, OMIM 253200.

Allele frequency attached by ClinVar (database versions not stated): gnomAD exomes below 0.00001; ExAC 0.00001.
gnomAD v4.1: 2 of 1,614,052 alleles (0.00012%); highest among the groups gnomAD compares: Middle Eastern, 0.017%; no homozygotes.

Submissions (5):

Fulgent Genetics
Classification: Pathogenic for Mucopolysaccharidosis type 6. Last evaluated: 2024-05-21. Review status: criteria provided, single submitter. Criteria: ACMG Guidelines, 2015. Collection method: clinical testing. Allele origin: germline.

Women's Health and Genetics/Laboratory Corporation of America, LabCorp
Classification: Pathogenic for Mucopolysaccharidosis type 6. Last evaluated: 2024-05-20. Review status: criteria provided, single submitter. Criteria: LabCorp Variant Classification Summary - May 2015. Collection method: clinical testing. Allele origin: germline.
Comment: Variant summary: ARSB c.323G>T (p.Gly108Val) results in a non-conservative amino acid change located in the Sulfatase, N-terminal domain (IPR000917) of the encoded protein sequence. Five of five in-silico tools predict a damaging effect of the variant on protein function. The variant allele was found at a frequency of 4e-06 in 251330 control chromosomes. c.323G>T has been reported in the literature in multiple individuals affected with Mucopolysaccharidosis Type VI (Maroteaux-Lamy Syndrome) in the homozygous and compound heterozygous state (e.g. Karageorgos_2007, Zanetti_2019, Baheer Abdul Wahhab_2023). These data indicate that the variant is very likely to be associated with disease. To our knowledge, no experimental evidence demonstrating an impact on protein function has been reported. The following publications have been ascertained in the context of this evaluation (PMID: 37811045, 17161971, 17458871, 30809705). ClinVar contains an entry for this variant (Variation ID: 559769). Based on the evidence outlined above, the variant was classified as pathogenic.

Labcorp Genetics (formerly Invitae), Labcorp
Classification: Pathogenic for Mucopolysaccharidosis type 6. Last evaluated: 2024-04-24. Review status: criteria provided, single submitter. Criteria: Invitae Variant Classification Sherloc (09022015). Collection method: clinical testing. Allele origin: germline.
Comment: This sequence change replaces glycine, which is neutral and non-polar, with valine, which is neutral and non-polar, at codon 108 of the ARSB protein (p.Gly108Val). This variant is present in population databases (rs768802200, gnomAD 0.003%). This missense change has been observed in individual(s) with mucopolysaccharidosis type VI (PMID: 17161971, 30809705). ClinVar contains an entry for this variant (Variation ID: 559769). Advanced modeling of protein sequence and biophysical properties (such as structural, functional, and spatial information, amino acid conservation, physicochemical variation, residue mobility, and thermodynamic stability) performed at Invitae indicates that this missense variant is expected to disrupt ARSB protein function with a positive predictive value of 95%. For these reasons, this variant has been classified as Pathogenic.

Baylor Genetics
Classification: Likely pathogenic for Mucopolysaccharidosis type 6. Last evaluated: 2023-10-27. Review status: criteria provided, single submitter. Criteria: ACMG Guidelines, 2015. Collection method: clinical testing. Allele origin: unknown.

Laboratory of Diagnosis and Therapy of Lysosomal Disorders, University of Padova
Classification: Uncertain significance for Mucopolysaccharidosis type 6. Last evaluated: 2018-01-01. Review status: flagged submission. Criteria: ACMG Guidelines, 2015. Collection method: curation. Allele origin: germline. Affected: yes. Not counted in ClinVar's aggregate classification.
Comment: Very low frequency in ExAC (PM2)
ClinVar note: Reason: Older claim that does not account for recent evidence

Literature cited by the submitters: PubMed 17161971 (cited by 3 submitters); PubMed 17458871 (cited by Women's Health and Genetics/Laboratory Corporation of America, LabCorp); PubMed 30809705 (cited by Women's Health and Genetics/Laboratory Corporation of America, LabCorp and Labcorp Genetics (formerly Invitae), Labcorp); PubMed 37811045 (cited by Women's Health and Genetics/Laboratory Corporation of America, LabCorp); PubMed 30118150 (cited by Laboratory of Diagnosis and Therapy of Lysosomal Disorders, University of Padova).

NM_000046.5(ARSB):c.323G>T (p.Gly108Val)

Gene: ARSB (arylsulfatase B; minus strand). Cytogenetic location: 5q14.1.
Variant type: single nucleotide variant.
Coding change: c.323G>T on transcript NM_000046.5 (MANE Select); coding-DNA position 323, G replaced by T.
Protein change: p.Gly108Val; replaces glycine 108 with valine.
Molecular consequence: missense variant.
Genome position (GRCh38, 1-based): chr5:78,969,182, C>A on the plus strand (G>T on the coding strand, the complement: ARSB is on the minus strand). VCF-style: chr5-78969182-C-A. GRCh37 (hg19) VCF-style: chr5-78265005-C-A.
Other names: c.323G>T, p.Gly108Val (NM_198709.3); short protein forms G108V.
Identifiers: ClinVar variation 559769 (VCV000559769.7), dbSNP rs768802200, ClinGen allele CA3318288.